The following is an entry in ClinVar:

ClinVar aggregate classification (germline): Pathogenic (1 of 4 stars; one submission).

Submission:

Labcorp Genetics (formerly Invitae), Labcorp
Classification: Pathogenic. Last evaluated: 2024-11-05. Review status: criteria provided, single submitter. Criteria: Invitae Variant Classification Sherloc (09022015). Collection method: clinical testing. Allele origin: germline.
Comment: This sequence change creates a premature translational stop signal (p.Pro2357Leufs*82) in the KMT2B gene. It is expected to result in an absent or disrupted protein product. Loss-of-function variants in KMT2B are known to be pathogenic (PMID: 27839873, 27992417). This variant is not present in population databases (gnomAD no frequency). This variant has not been reported in the literature in individuals affected with KMT2B-related conditions. For these reasons, this variant has been classified as Pathogenic.

Literature cited by the submitters: PubMed 27839873; PubMed 27992417.

NM_014727.3(KMT2B):c.7070del (p.Pro2357fs)

Gene: KMT2B (lysine methyltransferase 2B; plus strand). Cytogenetic location: 19q13.12.
Variant type: Deletion.
Coding change: c.7070del on transcript NM_014727.3 (MANE Select); coding-DNA position 7070, one base deleted (C; older notation c.7070delC).
Protein change: p.Pro2357fs; shifts the reading frame from proline 2357.
Molecular consequence: frameshift variant.
Genome position (GRCh38, 1-based): chr19:35,733,783, C deleted; the last of 4 consecutive C bases (chr19:35,733,780-35,733,783); deleting any one gives the same sequence. VCF-style (leftmost placement, unchanged base first): chr19-35733779-TC-T. GRCh37 (hg19) VCF-style: chr19-36224680-TC-T.
Other names: short protein forms P2357fs.
Identifiers: ClinVar variation 3724707 (VCV003724707.2).